The following is an entry in ClinVar:

ClinVar aggregate classification (germline): Uncertain significance (1 of 4 stars; one submission).

Conditions:
Epilepsy, familial focal, with variable foci 3 (FFEVF3). Identifiers: MedGen C4310708, MONDO:0014925, OMIM 617118.

Allele frequency attached by ClinVar (database versions not stated): gnomAD 0.00001; gnomAD exomes 0.00001; TOPMed 0.00002.
gnomAD v4.1: 8 of 1,564,158 alleles (0.00051%); highest among the groups gnomAD compares: African/African-American, 0.0054%; no homozygotes.

Submission:

Labcorp Genetics (formerly Invitae), Labcorp
Classification: Uncertain significance for Epilepsy, familial focal, with variable foci 3. Last evaluated: 2026-02-02. Review status: criteria provided, single submitter. Criteria: Invitae Variant Classification Sherloc (09022015). Collection method: clinical testing. Allele origin: germline.
Comment: This sequence change replaces leucine, which is neutral and non-polar, with phenylalanine, which is neutral and non-polar, at codon 402 of the NPRL3 protein (p.Leu402Phe). This variant is present in population databases (no rsID available, gnomAD 0.02%). This variant has not been reported in the literature in individuals affected with NPRL3-related conditions. ClinVar contains an entry for this variant (Variation ID: 1023681). Invitae Evidence Modeling of protein sequence and biophysical properties (such as structural, functional, and spatial information, amino acid conservation, physicochemical variation, residue mobility, and thermodynamic stability) indicates that this missense variant is not expected to disrupt NPRL3 protein function with a negative predictive value of 80%. In summary, the available evidence is currently insufficient to determine the role of this variant in disease. Therefore, it has been classified as a Variant of Uncertain Significance.

NM_001077350.3(NPRL3):c.1204C>T (p.Leu402Phe)

Genes: HBA-LCR (alpha-globin locus control region; plus strand), NPRL3 (NPR3 like, GATOR1 complex subunit; minus strand). Cytogenetic location: 16p13.3.
Variant type: single nucleotide variant.
Coding change: c.1204C>T on transcript NM_001077350.3 (MANE Select); coding-DNA position 1204, C replaced by T.
Protein change: p.Leu402Phe; replaces leucine 402 with phenylalanine.
Molecular consequence: missense variant.
Genome position (GRCh38, 1-based): chr16:89,860, G>A on the plus strand (C>T on the coding strand, the complement: NPRL3 is on the minus strand). VCF-style: chr16-89860-G-A. GRCh37 (hg19) VCF-style: chr16-139858-G-A.
Other names: c.667C>T, p.Leu223Phe (NM_001039476.3); c.970C>T, p.Leu324Phe (NM_001243247.2); c.1129C>T, p.Leu377Phe (NM_001243248.2, NM_001243249.2); short protein forms L223F, L324F, L377F, L402F.
Identifiers: ClinVar variation 1023681 (VCV001023681.8), dbSNP rs899497821, ClinGen allele CA276458647.